The following is an entry in ClinVar:

ClinVar aggregate classification (germline): Conflicting classifications of pathogenicity. Review status: criteria provided, conflicting classifications (1 of 4 stars). 2 submissions from 2 submitters: Uncertain significance (1); Likely benign (1). Last evaluated 2025-12-03.

Conditions:
Ullrich congenital muscular dystrophy 2 (UCMD2). Identifiers: Orphanet 75840, MedGen C4225314, MONDO:0014654, OMIM 616470.
Bethlem myopathy 2 (BTHLM2). Identifiers: Orphanet 536516, Orphanet 610, MedGen C4225313, MONDO:0034022, OMIM 616471.

Allele frequency attached by ClinVar (database versions not stated): TOPMed 0.00002; ExAC 0.00003; gnomAD 0.00003; gnomAD exomes 0.00006.
gnomAD v4.1: 72 of 1,614,052 alleles (0.0045%); highest among the groups gnomAD compares: Non-Finnish European, 0.0017%; no homozygotes.

Submissions (2):

Women's Health and Genetics/Laboratory Corporation of America, LabCorp
Classification: Uncertain significance. Last evaluated: 2025-12-03. Review status: criteria provided, single submitter. Criteria: LabCorp Variant Classification Summary - May 2015. Collection method: clinical testing. Allele origin: germline.
Comment: Variant summary: COL12A1 c.1256T>C (p.Met419Thr) results in a non-conservative amino acid change in the encoded protein sequence. Algorithms developed to predict the effect of missense changes on protein structure and function are either unavailable or do not agree on the potential impact of this missense change. The variant allele was found at a frequency of 6.4e-05 in 248592 control chromosomes. This frequency is not significantly higher than estimated for disease-causing variants in COL12A1, allowing no conclusion about variant significance. To our knowledge, no occurrence of c.1256T>C in individuals affected with COL12A1-related conditions and no experimental evidence demonstrating its impact on protein function have been reported. ClinVar contains an entry for this variant (Variation ID: 964236). Based on the evidence outlined above, the variant was classified as uncertain significance.

Labcorp Genetics (formerly Invitae), Labcorp
Classification: Likely benign for Bethlem myopathy 2; Ullrich congenital muscular dystrophy 2. Last evaluated: 2025-11-27. Review status: criteria provided, single submitter. Criteria: Invitae Variant Classification Sherloc (09022015). Collection method: clinical testing. Allele origin: germline.

NM_004370.6(COL12A1):c.1256T>C (p.Met419Thr)

Gene: COL12A1 (collagen type XII alpha 1 chain; minus strand). Cytogenetic location: 6q13.
Variant type: single nucleotide variant.
Coding change: c.1256T>C on transcript NM_004370.6 (MANE Select); coding-DNA position 1256, T replaced by C.
Protein change: p.Met419Thr; replaces methionine 419 with threonine.
Molecular consequence: missense variant. On other transcripts: intron variant (1).
Genome position (GRCh38, 1-based): chr6:75,183,886, A>G on the plus strand (T>C on the coding strand, the complement: COL12A1 is on the minus strand). VCF-style: chr6-75183886-A-G. GRCh37 (hg19) VCF-style: chr6-75893602-A-G.
Other names: c.73+18834T>C (NM_080645.3); short protein forms M419T.
Identifiers: ClinVar variation 964236 (VCV000964236.9), dbSNP rs201085951, ClinGen allele CA3894238.